The following is an entry in ClinVar:

NM_014363.6(SACS):c.6179T>C (p.Val2060Ala)

Gene: SACS (sacsin molecular chaperone; minus strand). Cytogenetic location: 13q12.12.
Variant type: single nucleotide variant.
Coding change: c.6179T>C on transcript NM_014363.6 (MANE Select); coding-DNA position 6179, T replaced by C.
Protein change: p.Val2060Ala; replaces valine 2060 with alanine.
Molecular consequence: missense variant.
Genome position (GRCh38, 1-based): chr13:23,337,697, A>G on the plus strand (T>C on the coding strand, the complement: SACS is on the minus strand). VCF-style: chr13-23337697-A-G. GRCh37 (hg19) VCF-style: chr13-23911836-A-G.
Other names: c.5738T>C, p.Val1913Ala (NM_001278055.2); c.6179T>C (NM_014363.4); short protein forms V2060A, V1913A.
Identifiers: ClinVar variation 2177416 (VCV002177416.6), dbSNP rs779589728, ClinGen allele CA6911120.

ClinVar aggregate classification (germline): Conflicting classifications of pathogenicity. Review status: criteria provided, conflicting classifications (1 of 4 stars). 3 submissions from 3 submitters: Uncertain significance (2); Likely benign (1). Last evaluated 2024-10-07.

Conditions:
Spastic paraplegia. Identifiers: MedGen C0037772, HP:0001258.

Allele frequency attached by ClinVar (database versions not stated): TOPMed below 0.00001; ExAC 0.00001; gnomAD 0.00001; gnomAD exomes 0.00001.
gnomAD v4.1: 8 of 1,612,812 alleles (0.0005%); highest among the groups gnomAD compares: Non-Finnish European, 0.00068%; no homozygotes.

Submissions (3):

Blueprint Genetics
Classification: Uncertain significance. Last evaluated: 2024-10-07. Review status: criteria provided, single submitter. Criteria: ACMG Guidelines, 2015. Collection method: clinical testing. Allele origin: germline.

Labcorp Genetics (formerly Invitae), Labcorp
Classification: Likely benign for Spastic paraplegia. Last evaluated: 2023-10-29. Review status: criteria provided, single submitter. Criteria: Invitae Variant Classification Sherloc (09022015). Collection method: clinical testing. Allele origin: germline.

Athena Diagnostics
Classification: Uncertain significance. Last evaluated: 2022-12-27. Review status: criteria provided, single submitter. Criteria: Athena Diagnostics Criteria. Collection method: clinical testing. Allele origin: unknown.
Comment: Available data are insufficient to determine the clinical significance of the variant at this time. The frequency of this variant in the general population is uninformative in assessment of its pathogenicity. Computational tools predict that this variant is damaging.